The following is an entry in ClinVar:

ClinVar aggregate classification (germline): Uncertain significance (1 of 4 stars; one submission).

Conditions:
Dilated cardiomyopathy 1W (CMD1W). Identifiers: Orphanet 154, MedGen C1969639, MONDO:0012667, OMIM 611407.

Submission:

Labcorp Genetics (formerly Invitae), Labcorp
Classification: Uncertain significance for Dilated cardiomyopathy 1W. Last evaluated: 2022-11-01. Review status: criteria provided, single submitter. Criteria: Invitae Variant Classification Sherloc (09022015). Collection method: clinical testing. Allele origin: germline.
Comment: This sequence change replaces alanine, which is neutral and non-polar, with serine, which is neutral and polar, at codon 91 of the VCL protein (p.Ala91Ser). This variant is present in population databases (no rsID available, gnomAD 0.0009%). This variant has not been reported in the literature in individuals affected with VCL-related conditions. Algorithms developed to predict the effect of missense changes on protein structure and function are either unavailable or do not agree on the potential impact of this missense change (SIFT: "Not Available"; PolyPhen-2: "Probably Damaging"; Align-GVGD: "Not Available"). In summary, the available evidence is currently insufficient to determine the role of this variant in disease. Therefore, it has been classified as a Variant of Uncertain Significance.

NM_014000.3(VCL):c.271G>T (p.Ala91Ser)

Gene: VCL (vinculin; plus strand). Cytogenetic location: 10q22.2.
Variant type: single nucleotide variant.
Coding change: c.271G>T on transcript NM_014000.3 (MANE Select); coding-DNA position 271, G replaced by T.
Protein change: p.Ala91Ser; replaces alanine 91 with serine.
Molecular consequence: missense variant.
Genome position (GRCh38, 1-based): chr10:74,070,701, G>T. VCF-style: chr10-74070701-G-T. GRCh37 (hg19) VCF-style: chr10-75830459-G-T.
Other names: c.271G>T, p.Ala91Ser (NM_003373.4); short protein forms A91S.
Identifiers: ClinVar variation 2904661 (VCV002904661.3), dbSNP rs1400110613, ClinGen allele CA377265760.